The following is an entry in ClinVar:

ClinVar aggregate classification (germline): Uncertain significance. Review status: criteria provided, multiple submitters, no conflicts (2 of 4 stars). 2 submissions from 2 submitters: Uncertain significance (2). Last evaluated 2022-01-12.

Conditions:
Inborn genetic diseases. Identifiers: MedGen C0950123, MeSH D030342.

Allele frequency attached by ClinVar (database versions not stated): ExAC 0.00008; ESP Exome Variant Server 0.00008; gnomAD 0.00011; TOPMed 0.00011; gnomAD exomes 0.00023.
gnomAD v4.1: 357 of 1,614,020 alleles (0.022%); highest among the groups gnomAD compares: Non-Finnish European, 0.029%; no homozygotes.

Submissions (2):

Labcorp Genetics (formerly Invitae), Labcorp
Classification: Uncertain significance. Last evaluated: 2022-01-12. Review status: criteria provided, single submitter. Criteria: Invitae Variant Classification Sherloc (09022015). Collection method: clinical testing. Allele origin: germline.
Comment: This sequence change replaces isoleucine, which is neutral and non-polar, with serine, which is neutral and polar, at codon 1078 of the DNAH9 protein (p.Ile1078Ser). This variant is present in population databases (rs142009409, gnomAD 0.02%). This variant has not been reported in the literature in individuals affected with DNAH9-related conditions. Algorithms developed to predict the effect of missense changes on protein structure and function output the following: SIFT: "Tolerated"; PolyPhen-2: "Benign"; Align-GVGD: "Class C0". The serine amino acid residue is found in multiple mammalian species, which suggests that this missense change does not adversely affect protein function. In summary, the available evidence is currently insufficient to determine the role of this variant in disease. Therefore, it has been classified as a Variant of Uncertain Significance.

Ambry Genetics
Classification: Uncertain significance for Inborn genetic diseases. Last evaluated: 2021-08-02. Review status: criteria provided, single submitter. Criteria: Ambry Variant Classification Scheme 2023. Collection method: clinical testing. Allele origin: germline.

NM_001372.4(DNAH9):c.3233T>G (p.Ile1078Ser)

Genes: DNAH9 (dynein axonemal heavy chain 9; plus strand), LOC126862505 (BRD4-independent group 4 enhancer GRCh37_chr17:11572478-11573677; plus strand). Cytogenetic location: 17p12.
Variant type: single nucleotide variant.
Coding change: c.3233T>G on transcript NM_001372.4 (MANE Select); coding-DNA position 3233, T replaced by G.
Protein change: p.Ile1078Ser; replaces isoleucine 1078 with serine.
Molecular consequence: missense variant.
Genome position (GRCh38, 1-based): chr17:11,669,674, T>G. VCF-style: chr17-11669674-T-G. GRCh37 (hg19) VCF-style: chr17-11572991-T-G.
Other names: c.3233T>G (NM_001372.3); short protein forms I1078S.
Identifiers: ClinVar variation 2174819 (VCV002174819.2), dbSNP rs142009409, ClinGen allele CA8395387.
Genomic context (GRCh38, chr17:11,669,674, plus strand): 5'-TTAAAGTGCAAATCGACTCCTATGAAACGCTCTATGAAGAGGTGTGCAGGCTGGAACCCA[T>G]CAAGGTGTTTGACGGCTGGATGAAAATTGATATTCGACCCTTTAAGGCATCTCTGCTGAA-3'
Protein context (NP_001363.2, residues 1068-1088): LYEEVCRLEP[Ile1078Ser]KVFDGWMKID